The following is an entry in ClinVar:

ClinVar aggregate classification (germline): Pathogenic/Likely pathogenic. Review status: criteria provided, multiple submitters, no conflicts (2 of 4 stars). 4 submissions from 4 submitters: Pathogenic (3); Likely pathogenic (1). Last evaluated 2025-07-03.

Conditions:
Legius syndrome. Identifiers: Orphanet 137605, MedGen C1969623, MONDO:0012669, OMIM 611431. Disease mechanism: loss of function.

Submissions (4):

GeneDx
Classification: Pathogenic. Last evaluated: 2025-07-03. Review status: criteria provided, single submitter. Criteria: GeneDx Variant Classification Process June 2021. Collection method: clinical testing. Allele origin: germline. Affected: yes.
Comment: Initiation codon variant in a gene for which loss of function is a known mechanism of disease; Not observed at significant frequency in large population cohorts (gnomAD); This variant is associated with the following publications: (PMID: 32107864)

Labcorp Genetics (formerly Invitae), Labcorp
Classification: Pathogenic for Legius syndrome. Last evaluated: 2024-07-11. Review status: criteria provided, single submitter. Criteria: Invitae Variant Classification Sherloc (09022015). Collection method: clinical testing. Allele origin: germline.
Comment: This sequence change affects the initiator methionine of the SPRED1 mRNA. The next in-frame methionine is located at codon 22. This variant is not present in population databases (gnomAD no frequency). Disruption of the initiator codon has been observed in individuals with clinical features of Legius syndrome (PMID: 19366998, 32107864; Invitae). It has also been observed to segregate with disease in related individuals. ClinVar contains an entry for this variant (Variation ID: 930640). Algorithms developed to predict the effect of sequence changes on RNA splicing suggest that this variant may create or strengthen a splice site. For these reasons, this variant has been classified as Pathogenic.

Centre for Mendelian Genomics, University Medical Centre Ljubljana
Classification: Pathogenic for Legius syndrome. Last evaluated: 2019-09-12. Review status: criteria provided, single submitter. Criteria: ACMG Guidelines, 2015. Collection method: clinical testing. Allele origin: unknown. Affected: yes.
Comment: This variant was classified as: Pathogenic. The following ACMG criteria were applied in classifying this variant: PVS1,PM2,PP4.

Laboratory for Molecular Medicine, Mass General Brigham Personalized Medicine
Classification: Likely pathogenic for Legius syndrome. Last evaluated: 2017-07-24. Review status: criteria provided, single submitter. Criteria: ACMG Guidelines, 2015. Collection method: clinical testing. Allele origin: germline. Inheritance: Autosomal dominant inheritance.
Comment: The p.Met1? (c.1A>G) variant in SPRED1 has not been previously reported in individuals with clinical features of a RASopathy and was absent from large population studies. However, another variant at this codon (c.2T>C, p.Met1?) has been reported in 1 individual with neurofibromatosis-like syndrome and segregated with disease in 3 affected relatives (Pasmant 2009). The c.2T>C variant results in an novel initiation codon 22 amino acids downstream, which was transcribed into RNA with 21 amino acids lost from the EVH-1 functional domain (Pasmant 2009). If translated, this RNA would be expected to result in a nonfunctional protein (Pasmant 2009) as the EVH-1 functional domain is required for the suppression of ERK (Brems 2007). In summary, although additional studies are required to fully establish its clinical significance, the p.Met1? (c.1A>G) variant is likely pathogenic.

Literature cited by the submitters: PubMed 19366998 (cited by Labcorp Genetics (formerly Invitae), Labcorp and Laboratory for Molecular Medicine, Mass General Brigham Personalized Medicine); PubMed 32107864 (cited by Labcorp Genetics (formerly Invitae), Labcorp); PubMed 17704776 (cited by Laboratory for Molecular Medicine, Mass General Brigham Personalized Medicine).

NM_152594.3(SPRED1):c.1A>G (p.Met1Val)

Gene: SPRED1 (sprouty related EVH1 domain containing 1; plus strand). Cytogenetic location: 15q14.
Variant type: single nucleotide variant.
Coding change: c.1A>G on transcript NM_152594.3 (MANE Select); coding-DNA position 1, A replaced by G.
Protein change: p.Met1Val; changes the start codon (methionine 1).
Molecular consequence: missense variant, initiator codon variant.
Genome position (GRCh38, 1-based): chr15:38,253,186, A>G. VCF-style: chr15-38253186-A-G. GRCh37 (hg19) VCF-style: chr15-38545387-A-G.
Other names: short protein forms M1V.
Identifiers: ClinVar variation 930640 (VCV000930640.8), dbSNP rs1894017295, ClinGen allele CA391931786.